The following is an entry in ClinVar:

ClinVar aggregate classification (germline): Likely benign. Review status: criteria provided, multiple submitters, no conflicts (2 of 4 stars). 3 submissions from 3 submitters: Likely benign (3). Last evaluated 2025-11-01.

Conditions:
Left ventricular noncompaction 8 (LVNC8). Identifiers: Orphanet 154, Orphanet 54260, MedGen C3809288, MONDO:0014152, OMIM 615373.

Allele frequency attached by ClinVar (database versions not stated): ESP Exome Variant Server 0.00017; ExAC 0.00003; gnomAD 0.00003; gnomAD exomes 0.00003; TOPMed 0.00005.
gnomAD v4.1: 41 of 1,611,316 alleles (0.0025%); highest among the groups gnomAD compares: Admixed American, 0.0067%; no homozygotes.

Submissions (3):

CeGaT Center for Human Genetics Tuebingen
Classification: Likely benign. Last evaluated: 2025-11-01. Review status: criteria provided, single submitter. Criteria: CeGaT Center For Human Genetics Tuebingen Variant Classification Criteria Version 2. Collection method: clinical testing. Allele origin: germline. Affected: yes. Observed: 1 variant allele.
Comment: PRDM16: BP4, BP7

Labcorp Genetics (formerly Invitae), Labcorp
Classification: Likely benign for Left ventricular noncompaction 8. Last evaluated: 2024-12-24. Review status: criteria provided, single submitter. Criteria: Invitae Variant Classification Sherloc (09022015). Collection method: clinical testing. Allele origin: germline.

GeneDx
Classification: Likely benign. Last evaluated: 2017-04-20. Review status: criteria provided, single submitter. Criteria: GeneDx Variant Classification (06012015). Collection method: clinical testing. Allele origin: germline. Affected: yes.
Comment: This variant is considered likely benign or benign based on one or more of the following criteria: it is a conservative change, it occurs at a poorly conserved position in the protein, it is predicted to be benign by multiple in silico algorithms, and/or has population frequency not consistent with disease.

NM_022114.4(PRDM16):c.1536C>T (p.Pro512=)

Gene: PRDM16 (PR/SET domain 16; plus strand). Cytogenetic location: 1p36.32.
Variant type: single nucleotide variant.
Coding change: c.1536C>T on transcript NM_022114.4 (MANE Select); coding-DNA position 1536, C replaced by T.
Protein change: p.Pro512=; no amino-acid change (proline 512 retained).
Molecular consequence: synonymous variant.
Genome position (GRCh38, 1-based): chr1:3,411,733, C>T. VCF-style: chr1-3411733-C-T. GRCh37 (hg19) VCF-style: chr1-3328297-C-T.
Other names: c.1536C>T, p.Pro512= (NM_199454.3).
Identifiers: ClinVar variation 508989 (VCV000508989.9), dbSNP rs368073318, ClinGen allele CA544217.